The following is an entry in ClinVar:

ClinVar aggregate classification (germline): Uncertain significance (1 of 4 stars; one submission).

Submission:

Ambry Genetics
Classification: Uncertain significance. Last evaluated: 2022-11-07. Review status: criteria provided, single submitter. Criteria: Ambry Variant Classification Scheme 2023. Collection method: clinical testing. Allele origin: germline.
Comment: The p.P351A variant (also known as c.1051C>G), located in coding exon 12 of the NPAT gene, results from a C to G substitution at nucleotide position 1051. The proline at codon 351 is replaced by alanine, an amino acid with highly similar properties. This amino acid position is conserved. In addition, this alteration is predicted to be tolerated by in silico analysis. Since supporting evidence is limited at this time, the clinical significance of this alteration remains unclear.

NM_002519.3(NPAT):c.1051C>G (p.Pro351Ala)

Gene: NPAT (nuclear protein, coactivator of histone transcription; minus strand). Cytogenetic location: 11q22.3.
Variant type: single nucleotide variant.
Coding change: c.1051C>G on transcript NM_002519.3 (MANE Select); coding-DNA position 1051, C replaced by G.
Protein change: p.Pro351Ala; replaces proline 351 with alanine.
Molecular consequence: missense variant.
Genome position (GRCh38, 1-based): chr11:108,176,327, G>C on the plus strand (C>G on the coding strand, the complement: NPAT is on the minus strand). VCF-style: chr11-108176327-G-C. GRCh37 (hg19) VCF-style: chr11-108047054-G-C.
Other names: c.1051C>G, p.Pro351Ala (NM_001321307.1); short protein forms P351A.
Identifiers: ClinVar variation 2453722 (VCV002453722.2), dbSNP rs1270708385, ClinGen allele CA382516927.
Genomic context (GRCh38, chr11:108,176,327, plus strand): 5'-AACCTTTAACTGCTAGATTAGTTTCATCTGCTAAGACTATACTGGGATTGGATTCCATAG[G>C]TTGACTGGAAATACTTTGTGATATATTTTTATTATTCTTTGTTTTGCCTGTTAAAAAGGG-3'
Protein context (NP_002510.2, residues 341-361): KNISQSISSQ[Pro351Ala]MESNPSIVLA